The following is an entry in ClinVar:

ClinVar aggregate classification (germline): Likely pathogenic (1 of 4 stars; one submission).

gnomAD v4.1: 1 of 1,613,638 alleles (0.000062%); highest among the groups gnomAD compares: Non-Finnish European, 0.000085%; no homozygotes.

Submission:

Labcorp Genetics (formerly Invitae), Labcorp
Classification: Likely pathogenic. Last evaluated: 2025-01-27. Review status: criteria provided, single submitter. Criteria: Invitae Variant Classification Sherloc (09022015). Collection method: clinical testing. Allele origin: germline.
Comment: This sequence change affects a donor splice site in intron 26 of the SBF1 gene. It is expected to disrupt RNA splicing. Variants that disrupt the donor or acceptor splice site typically lead to a loss of protein function (PMID: 16199547), and loss-of-function variants in SBF1 are known to be pathogenic (PMID: 28005197, 28902413). This variant is not present in population databases (gnomAD no frequency). This variant has not been reported in the literature in individuals affected with SBF1-related conditions. Algorithms developed to predict the effect of sequence changes on RNA splicing suggest that this variant may disrupt the consensus splice site. In summary, the currently available evidence indicates that the variant is pathogenic, but additional data are needed to prove that conclusively. Therefore, this variant has been classified as Likely Pathogenic.

Literature cited by the submitters: PubMed 16199547; PubMed 28005197; PubMed 28902413.

NM_002972.4(SBF1):c.3491+1G>T

Gene: SBF1 (SET binding factor 1; minus strand). Cytogenetic location: 22q13.33.
Variant type: single nucleotide variant.
Coding change: c.3491+1G>T on transcript NM_002972.4 (MANE Select); the canonical splice donor site of the intron after coding-DNA position 3491, G replaced by T.
Molecular consequence: splice donor variant.
Genome position (GRCh38, 1-based): chr22:50,459,951, C>A on the plus strand (G>T on the coding strand, the complement: SBF1 is on the minus strand). VCF-style: chr22-50459951-C-A. GRCh37 (hg19) VCF-style: chr22-50898380-C-A.
Other names: c.3494+1G>T (NM_001365819.1, NM_001410794.1); c.3491+1G>T (NM_001410795.1).
Identifiers: ClinVar variation 3649296 (VCV003649296.2).